The following is an entry in ClinVar:

ClinVar aggregate classification (germline): Uncertain significance. Review status: criteria provided, multiple submitters, no conflicts (2 of 4 stars). 2 submissions from 2 submitters: Uncertain significance (2). Last evaluated 2025-12-13.

Allele frequency attached by ClinVar (database versions not stated): gnomAD exomes 0.00006; TOPMed 0.00008; ExAC 0.00013.
gnomAD v4.1: 35 of 1,614,234 alleles (0.0022%); highest among the groups gnomAD compares: Admixed American, 0.057%; no homozygotes.

Submissions (2):

Labcorp Genetics (formerly Invitae), Labcorp
Classification: Uncertain significance. Last evaluated: 2025-12-13. Review status: criteria provided, single submitter. Criteria: Invitae Variant Classification Sherloc (09022015). Collection method: clinical testing. Allele origin: germline.
Comment: This sequence change replaces glutamic acid, which is acidic and polar, with glutamine, which is neutral and polar, at codon 226 of the KANK4 protein (p.Glu226Gln). This variant is present in population databases (rs757119605, gnomAD 0.1%), and has an allele count higher than expected for a pathogenic variant. This variant has not been reported in the literature in individuals affected with KANK4-related conditions. ClinVar contains an entry for this variant (Variation ID: 2719072). An algorithm developed to predict the effect of missense changes on protein structure and function (PolyPhen-2) suggests that this variant is likely to be tolerated. In summary, the available evidence is currently insufficient to determine the role of this variant in disease. Therefore, it has been classified as a Variant of Uncertain Significance.

Ambry Genetics
Classification: Uncertain significance. Last evaluated: 2025-01-29. Review status: criteria provided, single submitter. Criteria: Ambry Variant Classification Scheme 2023. Collection method: clinical testing. Allele origin: germline.

NM_181712.5(KANK4):c.676G>C (p.Glu226Gln)

Gene: KANK4 (KN motif and ankyrin repeat domains 4; minus strand). Cytogenetic location: 1p31.3.
Variant type: single nucleotide variant.
Coding change: c.676G>C on transcript NM_181712.5 (MANE Select); coding-DNA position 676, G replaced by C.
Protein change: p.Glu226Gln; replaces glutamic acid 226 with glutamine.
Molecular consequence: missense variant. On other transcripts: intron variant (1).
Genome position (GRCh38, 1-based): chr1:62,274,428, C>G on the plus strand (G>C on the coding strand, the complement: KANK4 is on the minus strand). VCF-style: chr1-62274428-C-G. GRCh37 (hg19) VCF-style: chr1-62740100-C-G.
Other names: c.17-2839G>C (NM_001320269.2); c.676G>C (NM_181712.4); short protein forms E226Q.
Identifiers: ClinVar variation 2719072 (VCV002719072.4), dbSNP rs757119605, ClinGen allele CA884518.